The following is an entry in ClinVar:

NM_024753.5(TTC21B):c.3450A>G (p.Ala1150=)

Gene: TTC21B (tetratricopeptide repeat domain 21B; minus strand). Cytogenetic location: 2q24.3.
Variant type: single nucleotide variant.
Coding change: c.3450A>G on transcript NM_024753.5 (MANE Select); coding-DNA position 3450, A replaced by G.
Protein change: p.Ala1150=; no amino-acid change (alanine 1150 retained).
Molecular consequence: synonymous variant.
Genome position (GRCh38, 1-based): chr2:165,888,288, T>C on the plus strand (A>G on the coding strand, the complement: TTC21B is on the minus strand). VCF-style: chr2-165888288-T-C. GRCh37 (hg19) VCF-style: chr2-166744798-T-C.
Identifiers: ClinVar variation 704197 (VCV000704197.15), dbSNP rs767037992, ClinGen allele CA1941512.
Genomic context (GRCh38, chr2:165,888,288, plus strand): 5'-ATACTACCAAATAAAGATACCACATGAAGCTGAAAAAGGAAATCCACTAACCTCAGATGC[T>C]GCTATTTCAGTGAAGGTATTTAATGCTTGTTCAACATTAGATTTCTGTTTGGTAGCCATT-3'
Protein context (NP_079029.3, residues 1140-1160): EQALNTFTEI[Ala1150=]ASEKEHIPAL

ClinVar aggregate classification (germline): Conflicting classifications of pathogenicity. Review status: criteria provided, conflicting classifications (1 of 4 stars). 5 submissions from 4 submitters: Uncertain significance (3); Likely benign (2). Last evaluated 2024-03-08.

Conditions:
Asphyxiating thoracic dystrophy 4 (SRTD4). Also called: SHORT-RIB THORACIC DYSPLASIA 4; SHORT-RIB THORACIC DYSPLASIA 4 WITH OR WITHOUT POLYDACTYLY. Identifiers: Orphanet 474, MedGen C3151185, MONDO:0013441, OMIM 613819.
Nephronophthisis 12 (NPHP12). Identifiers: Orphanet 655, MedGen C3151186, MONDO:0013442, OMIM 613820.
Jeune thoracic dystrophy. Also called: Short-rib thoracic dysplasia; Jeune syndrome; Infantile thoracic dystrophy; Thoracic pelvic phalangeal dystrophy; Jeune's syndrome; Chondroectodermal dysplasia-like syndrome. Identifiers: Orphanet 474, MedGen C0265275, MONDO:0018770.
Nephronophthisis. Also called: Juvenile Nephronophthisis. Identifiers: Orphanet 655, MedGen C0687120, MONDO:0019005, HP:0000090.

Allele frequency attached by ClinVar (database versions not stated): gnomAD 0.00001; TOPMed 0.00001; ExAC 0.00002; gnomAD exomes 0.00002.
gnomAD v4.1: 29 of 1,612,568 alleles (0.0018%); highest among the groups gnomAD compares: Non-Finnish European, 0.0025%; no homozygotes.

Submissions (5):

GeneDx
Classification: Uncertain significance. Last evaluated: 2024-03-08. Review status: criteria provided, single submitter. Criteria: GeneDx Variant Classification Process June 2021. Collection method: clinical testing. Allele origin: germline. Affected: yes.
Comment: Not observed at significant frequency in large population cohorts (gnomAD); In silico analysis supports that this variant does not alter splicing; Has not been previously published as pathogenic or benign to our knowledge

Labcorp Genetics (formerly Invitae), Labcorp
Classification: Likely benign for Jeune thoracic dystrophy; Nephronophthisis. Last evaluated: 2024-02-18. Review status: criteria provided, single submitter. Criteria: Invitae Variant Classification Sherloc (09022015). Collection method: clinical testing. Allele origin: germline.

Blueprint Genetics
Classification: Likely benign. Last evaluated: 2019-06-26. Review status: criteria provided, single submitter. Criteria: ACMG Guidelines, 2015. Collection method: clinical testing. Allele origin: germline.

Illumina Laboratory Services, Illumina
Classification: Uncertain significance for Asphyxiating thoracic dystrophy 4. Last evaluated: 2018-01-13. Review status: criteria provided, single submitter. Criteria: ICSL Variant Classification Criteria 13 December 2019. Collection method: clinical testing. Allele origin: germline.

Illumina Laboratory Services, Illumina
Classification: Uncertain significance for Nephronophthisis 12. Last evaluated: 2018-01-13. Review status: criteria provided, single submitter. Criteria: ICSL Variant Classification Criteria 13 December 2019. Collection method: clinical testing. Allele origin: germline.